The following is an entry in ClinVar:

NM_002528.7(NTHL1):c.884A>C (p.Gln295Pro)

Gene: NTHL1 (nth like DNA glycosylase 1; minus strand). Cytogenetic location: 16p13.3.
Variant type: single nucleotide variant.
Coding change: c.884A>C on transcript NM_002528.7 (MANE Select); coding-DNA position 884, A replaced by C.
Protein change: p.Gln295Pro; replaces glutamine 295 with proline.
Molecular consequence: missense variant.
Genome position (GRCh38, 1-based): chr16:2,039,955, T>G on the plus strand (A>C on the coding strand, the complement: NTHL1 is on the minus strand). VCF-style: chr16-2039955-T-G. GRCh37 (hg19) VCF-style: chr16-2089956-T-G.
Other names: c.713A>C, p.Gln238Pro (NM_001318193.2); c.554A>C, p.Gln185Pro (NM_001318194.2); c.908A>C (NM_002528.5); short protein forms Q185P, Q238P, Q295P.
Identifiers: ClinVar variation 1023906 (VCV001023906.12), dbSNP rs2084236461, ClinGen allele CA394287072.

ClinVar aggregate classification (germline): Uncertain significance. Review status: criteria provided, multiple submitters, no conflicts (2 of 4 stars). 3 submissions from 3 submitters: Uncertain significance (3). Last evaluated 2026-08-01.

Conditions:
Hereditary cancer-predisposing syndrome. Also called: Neoplastic Syndromes, Hereditary; Tumor predisposition; Hereditary neoplastic syndrome; Hereditary Cancer Syndrome. Identifiers: Orphanet 140162, MedGen C0027672, MeSH D009386, MONDO:0015356.

Allele frequency attached by ClinVar (database versions not stated): gnomAD exomes below 0.00001.
gnomAD v4.1: 2 of 1,606,450 alleles (0.00012%); highest among the groups gnomAD compares: Non-Finnish European, 0.00017%; no homozygotes.

Submissions (3):

CeGaT Center for Human Genetics Tuebingen
Classification: Uncertain significance. Last evaluated: 2026-08-01. Review status: criteria provided, single submitter. Criteria: CeGaT Center For Human Genetics Tuebingen Variant Classification Criteria Version 2. Collection method: clinical testing. Allele origin: germline. Affected: yes. Observed: 1 variant allele.
Comment: NTHL1: PM2, BP1

Ambry Genetics
Classification: Uncertain significance for Hereditary cancer-predisposing syndrome. Last evaluated: 2026-07-07. Review status: criteria provided, single submitter. Criteria: Ambry Variant Classification Scheme 2023. Collection method: clinical testing. Allele origin: germline.
Comment: The p.Q303P variant (also known as c.908A>C), located in coding exon 6 of the NTHL1 gene, results from an A to C substitution at nucleotide position 908. The glutamine at codon 303 is replaced by proline, an amino acid with similar properties. This amino acid position is conserved. In addition, the in silico prediction for this alteration is inconclusive. Based on the available evidence, the clinical significance of this variant remains unclear.

Labcorp Genetics (formerly Invitae), Labcorp
Classification: Uncertain significance. Last evaluated: 2022-04-12. Review status: criteria provided, single submitter. Criteria: Invitae Variant Classification Sherloc (09022015). Collection method: clinical testing. Allele origin: germline.
Comment: This sequence change replaces glutamine, which is neutral and polar, with proline, which is neutral and non-polar, at codon 303 of the NTHL1 protein (p.Gln303Pro). This variant is not present in population databases (gnomAD no frequency). This variant has not been reported in the literature in individuals affected with NTHL1-related conditions. ClinVar contains an entry for this variant (Variation ID: 1023906). Algorithms developed to predict the effect of missense changes on protein structure and function are either unavailable or do not agree on the potential impact of this missense change (SIFT: "Not Available"; PolyPhen-2: "Benign"; Align-GVGD: "Not Available"). In summary, the available evidence is currently insufficient to determine the role of this variant in disease. Therefore, it has been classified as a Variant of Uncertain Significance.